The following is an entry in ClinVar:

ClinVar aggregate classification (germline): Uncertain significance (1 of 4 stars; one submission).

gnomAD v4.1: 1 of 1,613,496 alleles (0.000062%); highest among the groups gnomAD compares: Non-Finnish European, 0.000085%; no homozygotes.

Submission:

Labcorp Genetics (formerly Invitae), Labcorp
Classification: Uncertain significance. Last evaluated: 2024-07-22. Review status: criteria provided, single submitter. Criteria: Invitae Variant Classification Sherloc (09022015). Collection method: clinical testing. Allele origin: germline.
Comment: This sequence change replaces lysine, which is basic and polar, with arginine, which is basic and polar, at codon 1319 of the COL11A2 protein (p.Lys1319Arg). This variant is present in population databases (rs752011409, gnomAD 0.0009%). This variant has not been reported in the literature in individuals affected with COL11A2-related conditions. Advanced modeling of protein sequence and biophysical properties (such as structural, functional, and spatial information, amino acid conservation, physicochemical variation, residue mobility, and thermodynamic stability) performed at Invitae indicates that this missense variant is not expected to disrupt COL11A2 protein function with a negative predictive value of 95%. In summary, the available evidence is currently insufficient to determine the role of this variant in disease. Therefore, it has been classified as a Variant of Uncertain Significance.

NM_080680.3(COL11A2):c.3956A>G (p.Lys1319Arg)

Gene: COL11A2 (collagen type XI alpha 2 chain; minus strand). Cytogenetic location: 6p21.32.
Variant type: single nucleotide variant.
Coding change: c.3956A>G on transcript NM_080680.3 (MANE Select); coding-DNA position 3956, A replaced by G.
Protein change: p.Lys1319Arg; replaces lysine 1319 with arginine.
Molecular consequence: missense variant.
Genome position (GRCh38, 1-based): chr6:33,168,523, T>C on the plus strand (A>G on the coding strand, the complement: COL11A2 is on the minus strand). VCF-style: chr6-33168523-T-C. GRCh37 (hg19) VCF-style: chr6-33136300-T-C.
Other names: c.3110A>G, p.Lys1037Arg (NM_001424109.1); c.2930A>G, p.Lys977Arg (NM_001424110.1, NM_001424111.1); c.1910A>G, p.Lys637Arg (NM_001424112.1); c.3635A>G, p.Lys1212Arg (NM_080679.3); c.3698A>G, p.Lys1233Arg (NM_080681.3); c.3776A>G, p.Lys1259Arg (NM_001424108.1); short protein forms K1212R, K1233R, K1259R, K1319R, K977R, K637R, K1037R.
Identifiers: ClinVar variation 3683451 (VCV003683451.2).